The following is an entry in ClinVar:

NM_005529.7(HSPG2):c.8711C>T (p.Ala2904Val)

Gene: HSPG2 (heparan sulfate proteoglycan 2; minus strand). Cytogenetic location: 1p36.12.
Variant type: single nucleotide variant.
Coding change: c.8711C>T on transcript NM_005529.7 (MANE Select); coding-DNA position 8711, C replaced by T.
Protein change: p.Ala2904Val; replaces alanine 2904 with valine.
Molecular consequence: missense variant.
Genome position (GRCh38, 1-based): chr1:21,843,344, G>A on the plus strand (C>T on the coding strand, the complement: HSPG2 is on the minus strand). VCF-style: chr1-21843344-G-A. GRCh37 (hg19) VCF-style: chr1-22169837-G-A.
Other names: c.8714C>T, p.Ala2905Val (NM_001291860.2); short protein forms A2904V, A2905V.
Identifiers: ClinVar variation 295770 (VCV000295770.8), dbSNP rs372570791, ClinGen allele CA670688.
Genomic context (GRCh38, chr1:21,843,344, plus strand): 5'-CCCTATCACTCACCAGGAATGGGTCCTGGGCTGGAGGGCTCAATTGTGACCAGGACAGAT[G>A]CCTCCAGGGTGCCTGAGCTTCCGGTCACTTGGCACGAGTACTCGCCAGAGTCAGCCGGGG-3'
Protein context (NP_005520.4, residues 2894-2914): QVTGSSGTLE[Ala2904Val]SVLVTIEPSS

ClinVar aggregate classification (germline): Uncertain significance. Review status: criteria provided, multiple submitters, no conflicts (2 of 4 stars). 4 submissions from 3 submitters: Uncertain significance (3). 1 of the submissions does not count toward it. Last evaluated 2021-12-08.

Conditions:
Schwartz-Jampel syndrome. Also called: Myotonic myopathy dwarfism chondrodystrophy and ocular and facial abnormalities. Identifiers: Orphanet 800, MedGen C0036391, MONDO:0009717.
Inborn genetic diseases. Identifiers: MedGen C0950123, MeSH D030342.
Lethal Kniest-like syndrome (DDSH). Also called: Dyssegmental Dysplasia. Identifiers: Orphanet 1865, MedGen C1857100, MONDO:0009140, OMIM 224410.

Allele frequency attached by ClinVar (database versions not stated): gnomAD 0.00004; gnomAD exomes 0.00004 and 0.00008; TOPMed 0.00005; ExAC 0.00007; ESP Exome Variant Server 0.00008.
gnomAD v4.1: 64 of 1,613,988 alleles (0.004%); highest among the groups gnomAD compares: Admixed American, 0.005%; no homozygotes.

Submissions (4):

Ambry Genetics
Classification: Uncertain significance for Inborn genetic diseases. Last evaluated: 2021-12-08. Review status: criteria provided, single submitter. Criteria: Ambry Variant Classification Scheme 2023. Collection method: clinical testing. Allele origin: germline.

Illumina Laboratory Services, Illumina
Classification: Uncertain significance for Lethal Kniest-like syndrome. Last evaluated: 2018-01-13. Review status: criteria provided, single submitter. Criteria: ICSL Variant Classification Criteria 13 December 2019. Collection method: clinical testing. Allele origin: germline.

Illumina Laboratory Services, Illumina
Classification: Uncertain significance for Schwartz-Jampel syndrome type 1. Last evaluated: 2018-01-13. Review status: criteria provided, single submitter. Criteria: ICSL Variant Classification Criteria 13 December 2019. Collection method: clinical testing. Allele origin: germline.

Department of Pathology and Laboratory Medicine, Sinai Health System
Classification: Uncertain significance. Review status: no assertion criteria provided. Collection method: clinical testing. Allele origin: unknown. Affected: yes. Study: The Canadian Open Genetics Repository (COGR). Not counted in ClinVar's aggregate classification.
Comment: The HSPG2 p.Ala2904Val variant was not identified in the literature nor was it identified in LOVD 3.0. The variant was identified in dbSNP (ID: rs372570791) and ClinVar (classified as uncertain significance by Illumina). The variant was identified in control databases in 21 of 251144 chromosomes at a frequency of 0.00008362 (Genome Aggregation Database March 6, 2019, v2.1.1). The variant was observed in the following populations: Ashkenazi Jewish in 15 of 10074 chromosomes (freq: 0.001489), Other in 1 of 6130 chromosomes (freq: 0.000163), Latino in 3 of 34566 chromosomes (freq: 0.000087) and European (non-Finnish) in 2 of 113506 chromosomes (freq: 0.000018), but was not observed in the African, East Asian, European (Finnish), or South Asian populations. The p.Ala2904 residue is conserved in mammals but not in more distantly related organisms however four out of five computational analyses (PolyPhen-2, SIFT, AlignGVGD, BLOSUM, MutationTaster) do not suggest a high likelihood of impact to the protein; this information is not predictive enough to rule out pathogenicity. The variant occurs outside of the splicing consensus sequence and three of four in silico or computational prediction software programs (SpliceSiteFinder, MaxEntScan, NNSPLICE, GeneSplicer) predict a greater than 10% difference in splicing. However, this information is not predictive enough to assume pathogenicity. In summary, based on the above information the clinical significance of this variant cannot be determined with certainty at this time. This variant is classified as a variant of uncertain significance.